The following is an entry in ClinVar:

ClinVar aggregate classification (germline): Likely benign. Review status: criteria provided, single submitter (1 of 4 stars). 2 submissions from 2 submitters: Likely benign (1). 1 of the submissions does not count toward it. Last evaluated 2023-02-04.

Conditions:
SACS-related disorder. Also called: SACS-related condition.
Spastic paraplegia. Identifiers: MedGen C0037772, HP:0001258.

Allele frequency attached by ClinVar (database versions not stated): gnomAD exomes below 0.00001; TOPMed 0.00001; gnomAD 0.00003.
gnomAD v4.1: 5 of 1,613,590 alleles (0.00031%); highest among the groups gnomAD compares: African/African-American, 0.0067%; no homozygotes.

Submissions (2):

Labcorp Genetics (formerly Invitae), Labcorp
Classification: Likely benign for Spastic paraplegia. Last evaluated: 2023-02-04. Review status: criteria provided, single submitter. Criteria: Invitae Variant Classification Sherloc (09022015). Collection method: clinical testing. Allele origin: germline.

PreventionGenetics, part of Exact Sciences
Classification: Uncertain significance for SACS-related condition. Last evaluated: 2024-06-06. Review status: no assertion criteria provided. Collection method: clinical testing. Allele origin: germline. Not counted in ClinVar's aggregate classification.
Comment: The SACS c.7304T>C variant is predicted to result in the amino acid substitution p.Leu2435Pro. To our knowledge, this variant has not been reported in the literature. This variant is reported in 0.012% of alleles in individuals of African descent in gnomAD. At this time, the clinical significance of this variant is uncertain due to the absence of conclusive functional and genetic evidence.

NM_014363.6(SACS):c.7304T>C (p.Leu2435Pro)

Gene: SACS (sacsin molecular chaperone; minus strand). Cytogenetic location: 13q12.12.
Variant type: single nucleotide variant.
Coding change: c.7304T>C on transcript NM_014363.6 (MANE Select); coding-DNA position 7304, T replaced by C.
Protein change: p.Leu2435Pro; replaces leucine 2435 with proline.
Molecular consequence: missense variant.
Genome position (GRCh38, 1-based): chr13:23,336,572, A>G on the plus strand (T>C on the coding strand, the complement: SACS is on the minus strand). VCF-style: chr13-23336572-A-G. GRCh37 (hg19) VCF-style: chr13-23910711-A-G.
Other names: c.7304T>C (NM_014363.5); c.6863T>C, p.Leu2288Pro (NM_001278055.2); short protein forms L2288P, L2435P.
Identifiers: ClinVar variation 2085366 (VCV002085366.5), dbSNP rs1445071756, ClinGen allele CA387519593.
Genomic context (GRCh38, chr13:23,336,572, plus strand): 5'-TCTGGCAATAATATCTTGCCATAATTTTTCTCACAAAATTCTTGTTTCTTTTCTCTAATG[A>G]GACTCCATATTCCTTCACTGATTATTCGTCGGCAAAGCTGAAAATTCTCTTCTGTTATTT-3'
Protein context (NP_055178.3, residues 2425-2445): RRIISEGIWS[Leu2435Pro]IREKKQEFCE